The following is an entry in ClinVar:

NM_182643.3(DLC1):c.1052G>A (p.Arg351Gln)

Gene: DLC1 (DLC1 Rho GTPase activating protein; minus strand). Cytogenetic location: 8p22.
Variant type: single nucleotide variant.
Coding change: c.1052G>A on transcript NM_182643.3 (MANE Select); coding-DNA position 1052, G replaced by A.
Protein change: p.Arg351Gln; replaces arginine 351 with glutamine.
Molecular consequence: missense variant. On other transcripts: 5 prime UTR variant (1).
Genome position (GRCh38, 1-based): chr8:13,401,591, C>T on the plus strand (G>A on the coding strand, the complement: DLC1 is on the minus strand). VCF-style: chr8-13401591-C-T. GRCh37 (hg19) VCF-style: chr8-13259100-C-T.
Other names: c.1052G>A, p.Arg351Gln (NM_001348081.2, NM_001413124.1, NM_001413125.1 and 1 more transcripts); c.-400G>A (NM_001348082.2); c.1052G>A (NM_182643.2); short protein forms R351Q.
Identifiers: ClinVar variation 2072779 (VCV002072779.6), dbSNP rs143724114, ClinGen allele CA4639292.
Genomic context (GRCh38, chr8:13,401,591, plus strand): 5'-TTTTCTATGTCCTGATCAAGCTGGTCCAGTTTCATAATCAGCAGCACCATGGAGTCCAGC[C>T]GCGCCCTATCTCGATCTTCTCTTATTTCCTGAGGAACAGAACATTTTGTTACTGAATCTG-3'
Protein context (NP_872584.2, residues 341-361): KEIREDRDRA[Arg351Gln]LDSMVLLIMK

ClinVar aggregate classification (germline): Benign. Review status: criteria provided, single submitter (1 of 4 stars). 2 submissions from 2 submitters: Benign (1). 1 of the submissions does not count toward it. Last evaluated 2026-01-08.

Conditions:
DLC1-related disorder. Also called: DLC1-related condition.

Allele frequency attached by ClinVar (database versions not stated): gnomAD exomes 0.00035; ExAC 0.00073; gnomAD 0.00199; TOPMed 0.00202; ESP Exome Variant Server 0.00269; 1000 Genomes Project 30x 0.00406; 1000 Genomes Project 0.00419.
gnomAD v4.1: 831 of 1,613,664 alleles (0.051%); highest among the groups gnomAD compares: African/African-American, 0.73%; 3 homozygotes.

Submissions (2):

Labcorp Genetics (formerly Invitae), Labcorp
Classification: Benign. Last evaluated: 2026-01-08. Review status: criteria provided, single submitter. Criteria: Invitae Variant Classification Sherloc (09022015). Collection method: clinical testing. Allele origin: germline.

PreventionGenetics, part of Exact Sciences
Classification: Likely benign for DLC1-related condition. Last evaluated: 2020-01-14. Review status: no assertion criteria provided. Collection method: clinical testing. Allele origin: germline. Not counted in ClinVar's aggregate classification.
Comment: This variant is classified as likely benign based on ACMG/AMP sequence variant interpretation guidelines (Richards et al. 2015 PMID: 25741868, with internal and published modifications).